The following is an entry in ClinVar:

NM_031220.4(PITPNM3):c.1270C>A (p.Arg424Ser)

Gene: PITPNM3 (PITPNM family member 3; minus strand). Cytogenetic location: 17p13.2.
Variant type: single nucleotide variant.
Coding change: c.1270C>A on transcript NM_031220.4 (MANE Select); coding-DNA position 1270, C replaced by A.
Protein change: p.Arg424Ser; replaces arginine 424 with serine.
Molecular consequence: missense variant.
Genome position (GRCh38, 1-based): chr17:6,472,816, G>T on the plus strand (C>A on the coding strand, the complement: PITPNM3 is on the minus strand). VCF-style: chr17-6472816-G-T. GRCh37 (hg19) VCF-style: chr17-6376136-G-T.
Other names: c.1162C>A, p.Arg388Ser (NM_001165966.2); short protein forms R424S, R388S.
Identifiers: ClinVar variation 4703990 (VCV004703990.2).
Genomic context (GRCh38, chr17:6,472,816, plus strand): 5'-GCCGTGAGGCAGAGGGGTCTGCGCAATGGAAGAAGCTGTAGACCTGGCTGCAGGCAGGAC[G>T]CACCTGGAAGCCTGGGGTGAGTGGGAAGACAGAGGGAAGCCACTTTCTAGTACCTGCTCC-3'
Protein context (NP_112497.2, residues 414-434): VLPGLDGFQV[Arg424Ser]PACSQVYSFF

ClinVar aggregate classification (germline): Uncertain significance. Review status: criteria provided, multiple submitters, no conflicts (2 of 4 stars). 2 submissions from 2 submitters: Uncertain significance (2). Last evaluated 2025-10-16.

gnomAD v4.1: 17 of 1,614,048 alleles (0.0011%); highest among the groups gnomAD compares: Non-Finnish European, 0.0014%; no homozygotes.

Submissions (2):

Labcorp Genetics (formerly Invitae), Labcorp
Classification: Uncertain significance. Last evaluated: 2025-10-16. Review status: criteria provided, single submitter. Criteria: Invitae Variant Classification Sherloc (09022015). Collection method: clinical testing. Allele origin: germline.
Comment: This sequence change replaces arginine, which is basic and polar, with serine, which is neutral and polar, at codon 424 of the PITPNM3 protein (p.Arg424Ser). This variant is not present in population databases (gnomAD no frequency). This variant has not been reported in the literature in individuals affected with PITPNM3-related conditions. Invitae Evidence Modeling of protein sequence and biophysical properties (such as structural, functional, and spatial information, amino acid conservation, physicochemical variation, residue mobility, and thermodynamic stability) indicates that this missense variant is not expected to disrupt PITPNM3 protein function with a negative predictive value of 80%. Algorithms developed to predict the effect of sequence changes on RNA splicing suggest that this variant may create or strengthen a splice site. In summary, the available evidence is currently insufficient to determine the role of this variant in disease. Therefore, it has been classified as a Variant of Uncertain Significance.

Blueprint Genetics
Classification: Uncertain significance. Last evaluated: 2022-04-26. Review status: criteria provided, single submitter. Criteria: ACMG Guidelines, 2015. Collection method: clinical testing. Allele origin: germline.